The following is an entry in ClinVar:

NM_006030.4(CACNA2D2):c.2991_2994del (p.Ser998fs)

Genes: CACNA2D2 (calcium voltage-gated channel auxiliary subunit alpha2delta 2; minus strand), LOC101928965 (uncharacterized LOC101928965; plus strand), LOC127898564 (CYB561D2-LOC101928965; plus strand). Cytogenetic location: 3p21.31.
Variant type: Deletion.
Coding change: c.2991_2994del on transcript NM_006030.4 (MANE Select); coding-DNA positions 2991 to 2994, 4 bases deleted (GAGC; older notation c.2991_2994delGAGC).
Protein change: p.Ser998fs; shifts the reading frame from serine 998.
Molecular consequence: frameshift variant. On other transcripts: non-coding transcript variant (7).
Genome position (GRCh38, 1-based): chr3:50,365,460-50,365,463, GCTC deleted on the plus strand (GAGC on the coding strand, the reverse complement: CACNA2D2 is on the minus strand). VCF-style (leftmost placement, unchanged base first): chr3-50365459-GGCTC-G. GRCh37 (hg19) VCF-style: chr3-50402890-GGCTC-G.
Other names: c.2991_2994del, p.Ser998fs (NM_001005505.3); c.2784_2787del, p.Ser929fs (NM_001291101.1); c.2994_2997del, p.Ser999fs (NM_001410768.1); c.3012_3015del, p.Ser1005fs (NM_001174051.3); short protein forms S1005fs, S999fs, S929fs, S998fs.
Identifiers: ClinVar variation 2813025 (VCV002813025.3), dbSNP rs2470976938, ClinGen allele CA2739278008.

ClinVar aggregate classification (germline): Pathogenic (1 of 4 stars; one submission).

Conditions:
Early-infantile DEE. Also called: Early infantile epileptic encephalopathy; Early infantile epileptic encephalopathy with suppression bursts; Ohtahara syndrome. Identifiers: Orphanet 1934, MedGen C0393706, MONDO:0800491.

Submission:

Labcorp Genetics (formerly Invitae), Labcorp
Classification: Pathogenic for Early-infantile DEE. Last evaluated: 2022-11-08. Review status: criteria provided, single submitter. Criteria: Invitae Variant Classification Sherloc (09022015). Collection method: clinical testing. Allele origin: germline.
Comment: For these reasons, this variant has been classified as Pathogenic. This variant has not been reported in the literature in individuals affected with CACNA2D2-related conditions. This variant is not present in population databases (gnomAD no frequency). This sequence change creates a premature translational stop signal (p.Ser998Profs*10) in the CACNA2D2 gene. It is expected to result in an absent or disrupted protein product. Loss-of-function variants in CACNA2D2 are known to be pathogenic (PMID: 24358150).

Literature cited by the submitters: PubMed 24358150.